The following is an entry in ClinVar:

ClinVar aggregate classification (germline): Likely pathogenic (1 of 4 stars; one submission).

Submission:

GeneDx
Classification: Likely pathogenic. Last evaluated: 2017-11-16. Review status: criteria provided, single submitter. Criteria: GeneDx Variant Classification (06012015). Collection method: clinical testing. Allele origin: germline. Affected: yes.
Comment: The c.11655_11656delGC variant in the PLEC gene has not been reported previously as a pathogenic variant nor as a benign variant, to our knowledge. This variant causes a frameshift starting with codon Glutamine 3886, changes this amino acid to an Alanine residue, and creates a premature Stop codon at position 8 of the new reading frame, denoted p.Gln3886AlafsX8. The c.11655_11656delGC variant is predicted to cause loss of normal protein function through protein truncation. This variant is not observed in large population cohorts (Lek et al., 2016). We interpret c.11655_11656delGC as a likely pathogenic variant.

NM_201384.3(PLEC):c.11574_11575del (p.Gln3859fs)

Gene: PLEC (plectin; minus strand). Cytogenetic location: 8q24.3.
Variant type: Deletion.
Coding change: c.11574_11575del on transcript NM_201384.3 (MANE Select); coding-DNA positions 11574 to 11575, 2 bases deleted (GC; older notation c.11574_11575delGC).
Protein change: p.Gln3859fs; shifts the reading frame from glutamine 3859.
Molecular consequence: frameshift variant.
Genome position (GRCh38, 1-based): chr8:143,918,246-143,918,247, GC deleted on the plus strand (GC on the coding strand, the reverse complement: PLEC is on the minus strand); deleting any 2 consecutive bases within chr8:143,918,246-143,918,248 gives the same sequence; the c. name uses the placement nearest the transcript's 3' end. VCF-style (leftmost placement, unchanged base first): chr8-143918245-TGC-T. GRCh37 (hg19) VCF-style: chr8-144992413-TGC-T.
Other names: c.11655_11656del, p.Gln3886fs (NM_000445.5); c.11532_11533del, p.Gln3845fs (NM_201378.4); c.11508_11509del, p.Gln3837fs (NM_201379.3); c.11985_11986del, p.Gln3996fs (NM_201380.4); c.11478_11479del, p.Gln3827fs (NM_201381.3); c.11574_11575del, p.Gln3859fs (NM_201382.4); c.11586_11587del, p.Gln3863fs (NM_201383.3); short protein forms Q3886fs, Q3859fs, Q3863fs, Q3996fs, Q3827fs, Q3837fs, Q3845fs.
Identifiers: ClinVar variation 503849 (VCV000503849.2), dbSNP rs1554674544, ClinGen allele CA658797160.